The following is an entry in ClinVar:

ClinVar aggregate classification (germline): Uncertain significance (1 of 4 stars; one submission).

Allele frequency attached by ClinVar (database versions not stated): ExAC 0.00001; gnomAD exomes 0.00001.
gnomAD v4.1: 6 of 1,614,026 alleles (0.00037%); highest among the groups gnomAD compares: Admixed American, 0.0067%; no homozygotes.

Submission:

Labcorp Genetics (formerly Invitae), Labcorp
Classification: Uncertain significance. Last evaluated: 2024-03-04. Review status: criteria provided, single submitter. Criteria: Invitae Variant Classification Sherloc (09022015). Collection method: clinical testing. Allele origin: germline.
Comment: This sequence change replaces isoleucine, which is neutral and non-polar, with threonine, which is neutral and polar, at codon 1302 of the KIAA1549 protein (p.Ile1302Thr). This variant is present in population databases (rs767291577, gnomAD 0.01%). This variant has not been reported in the literature in individuals affected with KIAA1549-related conditions. ClinVar contains an entry for this variant (Variation ID: 1925352). Algorithms developed to predict the effect of missense changes on protein structure and function output the following: SIFT: "Not Available"; PolyPhen-2: "Benign"; Align-GVGD: "Not Available". The threonine amino acid residue is found in multiple mammalian species, which suggests that this missense change does not adversely affect protein function. In summary, the available evidence is currently insufficient to determine the role of this variant in disease. Therefore, it has been classified as a Variant of Uncertain Significance.

NM_001164665.2(KIAA1549):c.3905T>C (p.Ile1302Thr)

Gene: KIAA1549 (KIAA1549; minus strand). Cytogenetic location: 7q34.
Variant type: single nucleotide variant.
Coding change: c.3905T>C on transcript NM_001164665.2 (MANE Select); coding-DNA position 3905, T replaced by C.
Protein change: p.Ile1302Thr; replaces isoleucine 1302 with threonine.
Molecular consequence: missense variant.
Genome position (GRCh38, 1-based): chr7:138,894,469, A>G on the plus strand (T>C on the coding strand, the complement: KIAA1549 is on the minus strand). VCF-style: chr7-138894469-A-G. GRCh37 (hg19) VCF-style: chr7-138579215-A-G.
Other names: c.3905T>C, p.Ile1302Thr (NM_020910.3); short protein forms I1302T.
Identifiers: ClinVar variation 1925352 (VCV001925352.5), dbSNP rs767291577, ClinGen allele CA4506068.
Genomic context (GRCh38, chr7:138,894,469, plus strand): 5'-TTCCAGTAGAGGATGACAACAATCACCATCACCACCAGCACTGGGATGACCACGCCAACA[A>G]TGACCCACAAGTTGTTGCTCTGGGATTCCGGAGACGGCCTCTTCACCCTGTCGACAGCTG-3'
Protein context (NP_001158137.1, residues 1292-1312): PESQSNNLWV[Ile1302Thr]VGVVIPVLVV